The following is an entry in ClinVar:

ClinVar aggregate classification (germline): Likely benign (1 of 4 stars; one submission).

gnomAD v4.1: 3 of 1,612,752 alleles (0.00019%); highest among the groups gnomAD compares: Non-Finnish European, 0.00025%; no homozygotes.

Submission:

CeGaT Center for Human Genetics Tuebingen
Classification: Likely benign. Last evaluated: 2026-08-01. Review status: criteria provided, single submitter. Criteria: CeGaT Center For Human Genetics Tuebingen Variant Classification Criteria Version 2. Collection method: clinical testing. Allele origin: germline. Affected: yes. Observed: 1 variant allele.
Comment: ASPM: BP4, BP7

NM_018136.5(ASPM):c.5643C>T (p.Leu1881=)

Gene: ASPM (assembly factor for spindle microtubules; minus strand). Cytogenetic location: 1q31.3.
Variant type: single nucleotide variant.
Coding change: c.5643C>T on transcript NM_018136.5 (MANE Select); coding-DNA position 5643, C replaced by T.
Protein change: p.Leu1881=; no amino-acid change (leucine 1881 retained).
Molecular consequence: synonymous variant. On other transcripts: intron variant (1).
Genome position (GRCh38, 1-based): chr1:197,103,608, G>A on the plus strand (C>T on the coding strand, the complement: ASPM is on the minus strand). VCF-style: chr1-197103608-G-A. GRCh37 (hg19) VCF-style: chr1-197072738-G-A.
Other names: c.4066-7444C>T (NM_001206846.2).
Identifiers: ClinVar variation 5039950 (VCV005039950.1).
Genomic context (GRCh38, chr1:197,103,608, plus strand): 5'-GGCAGCTTGATGTTCCCTTCTAATCTGTTTCCGAACCTTCCAGCCACGATAAGCAGACTG[G>A]AGGGAAATCACAGCTGCCTTTGTCTTCAAAAAATGTGTTCTTGTATCATGAAGAGTCTTG-3'
Protein context (NP_060606.3, residues 1871-1891): FLKTKAAVIS[Leu1881=]QSAYRGWKVR